The following is an entry in ClinVar:

ClinVar aggregate classification (germline): Uncertain significance. Review status: criteria provided, multiple submitters, no conflicts (2 of 4 stars). 2 submissions from 2 submitters: Uncertain significance (2). Last evaluated 2025-04-11.

Conditions:
Congenital disorder of glycosylation, type IIq. Also called: CDG IIq. Identifiers: Orphanet 435934, MedGen C4479353, MONDO:0054559, OMIM 617395.

Allele frequency attached by ClinVar (database versions not stated): gnomAD exomes 0.00003 and 0.00002; gnomAD 0.00005 and 0.00006; ExAC 0.00002; TOPMed 0.00009.

Submissions (2):

Ambry Genetics
Classification: Uncertain significance. Last evaluated: 2025-04-11. Review status: criteria provided, single submitter. Criteria: Ambry Variant Classification Scheme 2023. Collection method: clinical testing. Allele origin: germline.

Labcorp Genetics (formerly Invitae), Labcorp
Classification: Uncertain significance for Congenital disorder of glycosylation, type IIq. Last evaluated: 2021-08-18. Review status: criteria provided, single submitter. Criteria: Invitae Variant Classification Sherloc (09022015). Collection method: clinical testing. Allele origin: germline.
Comment: This sequence change replaces arginine with tryptophan at codon 39 of the COG2 protein (p.Arg39Trp). The arginine residue is moderately conserved and there is a moderate physicochemical difference between arginine and tryptophan. This variant is present in population databases (rs758358715, ExAC 0.02%). This variant has not been reported in the literature in individuals affected with COG2-related conditions. Algorithms developed to predict the effect of missense changes on protein structure and function are either unavailable or do not agree on the potential impact of this missense change (SIFT: "Deleterious"; PolyPhen-2: "Probably Damaging"; Align-GVGD: "Class C0"). Algorithms developed to predict the effect of sequence changes on RNA splicing suggest that this variant may create or strengthen a splice site. In summary, the available evidence is currently insufficient to determine the role of this variant in disease. Therefore, it has been classified as a Variant of Uncertain Significance.

NM_007357.3(COG2):c.115C>T (p.Arg39Trp)

Gene: COG2 (component of oligomeric golgi complex 2; plus strand). Cytogenetic location: 1q42.2.
Variant type: single nucleotide variant.
Coding change: c.115C>T on transcript NM_007357.3 (MANE Select); coding-DNA position 115, C replaced by T.
Protein change: p.Arg39Trp; replaces arginine 39 with tryptophan.
Molecular consequence: missense variant.
Genome position (GRCh38, 1-based): chr1:230,659,506, C>T. VCF-style: chr1-230659506-C-T. GRCh37 (hg19) VCF-style: chr1-230795252-C-T.
Other names: c.115C>T, p.Arg39Trp (NM_001145036.2); c.115C>T (NM_007357.2); short protein forms R39W.
Identifiers: ClinVar variation 1413898 (VCV001413898.6), dbSNP rs758358715, ClinGen allele CA1447288.
Genomic context (GRCh38, chr1:230,659,506, plus strand): 5'-TCTGGTTTTATTTTTCAGGAAGATTTCGATGTCGATCATTTTGTGTCTGACTGTAGGAAG[C>T]GGGTCCAGCTGGAAGAACTGAGAGATGACCTGGAGCTCTACTATAAACTTCTTAAAACAG-3'
Protein context (NP_031383.1, residues 29-49): VDHFVSDCRK[Arg39Trp]VQLEELRDDL